The following is an entry in ClinVar:

ClinVar aggregate classification (germline): Uncertain significance. Review status: criteria provided, multiple submitters, no conflicts (2 of 4 stars). 4 submissions from 4 submitters: Uncertain significance (3). 1 of the submissions does not count toward it. Last evaluated 2023-06-16.

Conditions:
Ehlers-Danlos syndrome, dermatosparaxis type. Also called: Ehlers-Danlos syndrome, type VII, autosomal recessive; Dermatosparaxis; EDS VIIC. Identifiers: Orphanet 1901, MedGen C2700425, MONDO:0009161, OMIM 225410.
Inborn genetic diseases. Identifiers: MedGen C0950123, MeSH D030342.

Allele frequency attached by ClinVar (database versions not stated): ExAC 0.00002; TOPMed 0.00004; gnomAD exomes 0.00006; ESP Exome Variant Server 0.00008.

Submissions (4):

Ambry Genetics
Classification: Uncertain significance for Inborn genetic diseases. Last evaluated: 2023-06-16. Review status: criteria provided, single submitter. Criteria: Ambry Variant Classification Scheme 2023. Collection method: clinical testing. Allele origin: germline.

CeGaT Center for Human Genetics Tuebingen
Classification: Uncertain significance. Last evaluated: 2023-04-01. Review status: criteria provided, single submitter. Criteria: CeGaT Center For Human Genetics Tuebingen Variant Classification Criteria Version 2. Collection method: clinical testing. Allele origin: germline. Affected: yes. Observed: 2 variant alleles.
Comment: ADAMTS2: PM2

Labcorp Genetics (formerly Invitae), Labcorp
Classification: Uncertain significance for Ehlers-Danlos syndrome, dermatosparaxis type. Last evaluated: 2022-08-31. Review status: criteria provided, single submitter. Criteria: Invitae Variant Classification Sherloc (09022015). Collection method: clinical testing. Allele origin: germline.
Comment: This sequence change replaces arginine, which is basic and polar, with histidine, which is basic and polar, at codon 679 of the ADAMTS2 protein (p.Arg679His). This variant is present in population databases (rs144554943, gnomAD 0.04%). This variant has not been reported in the literature in individuals affected with ADAMTS2-related conditions. ClinVar contains an entry for this variant (Variation ID: 871933). Algorithms developed to predict the effect of missense changes on protein structure and function output the following: SIFT: "Tolerated"; PolyPhen-2: "Benign"; Align-GVGD: "Class C0". The histidine amino acid residue is found in multiple mammalian species, which suggests that this missense change does not adversely affect protein function. In summary, the available evidence is currently insufficient to determine the role of this variant in disease. Therefore, it has been classified as a Variant of Uncertain Significance.

Natera, Inc.
Classification: Uncertain significance for Ehlers-Danlos syndrome type VIIC. Last evaluated: 2020-05-07. Review status: no assertion criteria provided. Collection method: clinical testing. Allele origin: germline. Not counted in ClinVar's aggregate classification.

NM_014244.5(ADAMTS2):c.2036G>A (p.Arg679His)

Gene: ADAMTS2 (ADAM metallopeptidase with thrombospondin type 1 motif 2; minus strand). Cytogenetic location: 5q35.3.
Variant type: single nucleotide variant.
Coding change: c.2036G>A on transcript NM_014244.5 (MANE Select); coding-DNA position 2036, G replaced by A.
Protein change: p.Arg679His; replaces arginine 679 with histidine.
Molecular consequence: missense variant.
Genome position (GRCh38, 1-based): chr5:179,135,958, C>T on the plus strand (G>A on the coding strand, the complement: ADAMTS2 is on the minus strand). VCF-style: chr5-179135958-C-T. GRCh37 (hg19) VCF-style: chr5-178562959-C-T.
Other names: c.2036G>A (NM_014244.4); short protein forms R679H.
Identifiers: ClinVar variation 871933 (VCV000871933.50), dbSNP rs144554943, ClinGen allele CA3595705.